The following is an entry in ClinVar:

NM_001182.5(ALDH7A1):c.243A>G (p.Arg81=)

Gene: ALDH7A1 (aldehyde dehydrogenase 7 family member A1; minus strand). Cytogenetic location: 5q23.2.
Variant type: single nucleotide variant.
Coding change: c.243A>G on transcript NM_001182.5 (MANE Select); coding-DNA position 243, A replaced by G.
Protein change: p.Arg81=; no amino-acid change (arginine 81 retained).
Molecular consequence: synonymous variant.
Genome position (GRCh38, 1-based): chr5:126,593,354, T>C on the plus strand (A>G on the coding strand, the complement: ALDH7A1 is on the minus strand). VCF-style: chr5-126593354-T-C. GRCh37 (hg19) VCF-style: chr5-125929046-T-C.
Other names: p.R81R:CGA>CGG; c.159A>G, p.Arg53= (NM_001201377.2); c.243A>G, p.Arg81= (NM_001202404.2).
Identifiers: ClinVar variation 136370 (VCV000136370.20), dbSNP rs146438406, ClinGen allele CA289407.

ClinVar aggregate classification (germline): Benign/Likely benign. Review status: criteria provided, multiple submitters, no conflicts (2 of 4 stars). 7 submissions from 7 submitters: Benign (3); Likely benign (4). Last evaluated 2026-05-01.

Conditions:
ALDH7A1-related disorder. Also called: ALDH7A1-related condition.
Inborn genetic diseases. Identifiers: MedGen C0950123, MeSH D030342.
Pyridoxine-dependent epilepsy (EPEO4). Also called: Pyridoxine-Dependent Seizures; Pyridoxine-Dependent Epilepsy - ALDH7A1; EPILEPSY, EARLY-ONSET, 4, VITAMIN B6-DEPENDENT; PYRIDOXINE DEPENDENCY WITH SEIZURES. Identifiers: Orphanet 3006, MedGen C1849508, MONDO:0009945, OMIM 266100. Disease mechanism: loss of function.

Allele frequency attached by ClinVar (database versions not stated): gnomAD exomes 0.00007 and 0.00023; ExAC 0.00030; gnomAD 0.00088 and 0.00095; TOPMed 0.00105; ESP Exome Variant Server 0.00108; 1000 Genomes Project 0.00120; 1000 Genomes Project 30x 0.00125.
gnomAD v4.1: 242 of 1,598,006 alleles (0.015%); highest among the groups gnomAD compares: African/African-American, 0.31%; no homozygotes.

Submissions (7):

CeGaT Center for Human Genetics Tuebingen
Classification: Likely benign. Last evaluated: 2026-05-01. Review status: criteria provided, single submitter. Criteria: CeGaT Center For Human Genetics Tuebingen Variant Classification Criteria Version 2. Collection method: clinical testing. Allele origin: germline. Affected: yes. Observed: 2 variant alleles.
Comment: ALDH7A1: BP4, BP7

Labcorp Genetics (formerly Invitae), Labcorp
Classification: Benign for Pyridoxine-dependent epilepsy. Last evaluated: 2026-01-26. Review status: criteria provided, single submitter. Criteria: Invitae Variant Classification Sherloc (09022015). Collection method: clinical testing. Allele origin: germline.

PreventionGenetics, part of Exact Sciences
Classification: Likely benign for ALDH7A1-related condition. Last evaluated: 2025-06-13. Review status: criteria provided, single submitter. Criteria: ACMG Guidelines, 2015. Collection method: clinical testing. Allele origin: germline.
Comment: This variant is classified as likely benign based on ACMG/AMP sequence variant interpretation guidelines (Richards et al. 2015 PMID: 25741868, with internal and published modifications).

ARUP Laboratories, Molecular Genetics and Genomics, ARUP Laboratories
Classification: Likely benign for Pyridoxine-dependent epilepsy. Last evaluated: 2025-01-22. Review status: criteria provided, single submitter. Criteria: ARUP Molecular Germline Variant Investigation Process 2024. Collection method: clinical testing. Allele origin: germline.

Genome-Nilou Lab
Classification: Benign for Pyridoxine-dependent epilepsy. Last evaluated: 2023-04-11. Review status: criteria provided, single submitter. Criteria: ACMG Guidelines, 2015. Collection method: clinical testing. Allele origin: germline. Affected: no.

Ambry Genetics
Classification: Likely benign for Inborn genetic diseases. Last evaluated: 2016-11-03. Review status: criteria provided, single submitter. Criteria: Ambry Variant Classification Scheme 2023. Collection method: clinical testing. Allele origin: germline.

GeneDx
Classification: Benign. Last evaluated: 2013-06-13. Review status: criteria provided, single submitter. Criteria: GeneDx Variant Classification (06012015). Collection method: clinical testing. Allele origin: germline. Affected: yes.
Comment: This variant is considered likely benign or benign based on one or more of the following criteria: it is a conservative change, it occurs at a poorly conserved position in the protein, it is predicted to be benign by multiple in silico algorithms, and/or has population frequency not consistent with disease.